The following is an entry in ClinVar:

NM_152743.4(BRAT1):c.866G>C (p.Cys289Ser)

Gene: BRAT1 (BRCA1 associated ATM activator 1; minus strand). Cytogenetic location: 7p22.3.
Variant type: single nucleotide variant.
Coding change: c.866G>C on transcript NM_152743.4 (MANE Select); coding-DNA position 866, G replaced by C.
Protein change: p.Cys289Ser; replaces cysteine 289 with serine.
Molecular consequence: missense variant. On other transcripts: non-coding transcript variant (1).
Genome position (GRCh38, 1-based): chr7:2,543,261, C>G on the plus strand (G>C on the coding strand, the complement: BRAT1 is on the minus strand). VCF-style: chr7-2543261-C-G. GRCh37 (hg19) VCF-style: chr7-2582895-C-G.
Other names: p.Cys289Ser; c.866G>C, p.Cys289Ser (NM_001350626.2); c.341G>C, p.Cys114Ser (NM_001350627.2); short protein forms C289S, C114S.
Identifiers: ClinVar variation 235265 (VCV000235265.62), dbSNP rs140451075, ClinGen allele CA4128032.
Genomic context (GRCh38, chr7:2,543,261, plus strand): 5'-TACCAGTGCTCGAGCTTCAGGATCCCCAAAGCCAGGGGTCCCATGTGGGTGGGACCCAGG[C>G]AGCTCAGAGCCCGCGCCACTGTCTCCCACAGGCTGCCGTCGGAAGAACTGAACACGGGAG-3'
Protein context (NP_689956.2, residues 279-299): LWETVARALS[Cys289Ser]LGPTHMGPLA

ClinVar aggregate classification (germline): Conflicting classifications of pathogenicity. Review status: criteria provided, conflicting classifications (1 of 4 stars). 10 submissions from 10 submitters: Uncertain significance (1); Benign (4); Likely benign (5). Last evaluated 2026-07-01.

Conditions:
Neurodevelopmental disorder with cerebellar atrophy and with or without seizures. Identifiers: MedGen C4748032, MONDO:0020841, OMIM 618056.
Neonatal-onset encephalopathy with rigidity and seizures. Also called: Lethal neonatal spasticity-epileptic encephalopathy syndrome. Identifiers: Orphanet 435845, MedGen C3281029, MONDO:0013784, OMIM 614498.
Inborn genetic diseases. Identifiers: MedGen C0950123, MeSH D030342.
Intellectual disability. Also called: intellectual disabilities; Intellectual functioning disability; Intellectual developmental disorder. Identifiers: MedGen C3714756, MeSH D008607, MONDO:0001071, HP:0001249.

Allele frequency attached by ClinVar (database versions not stated): gnomAD exomes 0.00585 and 0.00833; gnomAD 0.00598 and 0.00577; ESP Exome Variant Server 0.00638; ExAC 0.00647; 1000 Genomes Project 0.00280; 1000 Genomes Project 30x 0.00281; TOPMed 0.00569.
gnomAD v4.1: 12,933 of 1,611,602 alleles (0.8%); highest among the groups gnomAD compares: Non-Finnish European, 0.97%; 75 homozygotes.

Submissions (10):

CeGaT Center for Human Genetics Tuebingen
Classification: Likely benign. Last evaluated: 2026-07-01. Review status: criteria provided, single submitter. Criteria: CeGaT Center For Human Genetics Tuebingen Variant Classification Criteria Version 2. Collection method: clinical testing. Allele origin: germline. Affected: yes. Observed: 45 variant alleles.
Comment: BRAT1: BP4, BS2

Labcorp Genetics (formerly Invitae), Labcorp
Classification: Benign for Neonatal-onset encephalopathy with rigidity and seizures. Last evaluated: 2026-02-02. Review status: criteria provided, single submitter. Criteria: Invitae Variant Classification Sherloc (09022015). Collection method: clinical testing. Allele origin: germline.

Athena Diagnostics
Classification: Benign. Last evaluated: 2024-09-23. Review status: criteria provided, single submitter. Criteria: Athena Diagnostics Criteria. Collection method: clinical testing. Allele origin: unknown.

Mayo Clinic Laboratories, Mayo Clinic
Classification: Benign. Last evaluated: 2023-07-12. Review status: criteria provided, single submitter. Criteria: ACMG Guidelines, 2015. Collection method: clinical testing. Allele origin: germline. Observed: 2 variant alleles.
Comment: BS1, BS2, BP4

Ambry Genetics
Classification: Likely benign for Inborn genetic diseases. Last evaluated: 2021-10-21. Review status: criteria provided, single submitter. Criteria: Ambry Variant Classification Scheme 2023. Collection method: clinical testing. Allele origin: germline.

Fulgent Genetics
Classification: Likely benign for Neonatal-onset encephalopathy with rigidity and seizures; Neurodevelopmental disorder with cerebellar atrophy and with or without seizures. Last evaluated: 2021-10-02. Review status: criteria provided, single submitter. Criteria: ACMG Guidelines, 2015. Collection method: clinical testing. Allele origin: unknown.

Cambridge Genomics Laboratory, East Genomic Laboratory Hub, NHS Genomic Medicine Service
Classification: Uncertain significance for Intellectual disability. Last evaluated: 2019-09-24. Review status: criteria provided, single submitter. Criteria: ACGS Best Practice Guidelines for Variant Classification in Rare Disease 2020. Collection method: clinical testing. Allele origin: germline. Affected: yes. Observed: 1 variant allele.

GeneDx
Classification: Benign. Last evaluated: 2018-08-29. Review status: criteria provided, single submitter. Criteria: GeneDx Variant Classification Process June 2021. Collection method: clinical testing. Allele origin: germline. Affected: yes.

Center for Pediatric Genomic Medicine, Children's Mercy Hospital and Clinics
Classification: Likely benign. Last evaluated: 2015-10-07. Review status: criteria provided, single submitter. Criteria: ACMG Guidelines, 2015. Collection method: clinical testing. Allele origin: germline.
ClinVar note: Converted during submission from Likely Benign to Likely benign.

Breakthrough Genomics
Classification: Likely benign. Review status: criteria provided, single submitter. Criteria: ACMG Guidelines, 2015. Collection method: not provided. Allele origin: germline. Inheritance: Autosomal recessive inheritance. Affected: yes.